The following is an entry in ClinVar:

NM_014249.4(NR2E3):c.328C>T (p.Gln110Ter)

Gene: NR2E3 (nuclear receptor subfamily 2 group E member 3; plus strand). Cytogenetic location: 15q23.
Variant type: single nucleotide variant.
Coding change: c.328C>T on transcript NM_014249.4 (MANE Select); coding-DNA position 328, C replaced by T.
Protein change: p.Gln110Ter; replaces glutamine 110 with a stop codon.
Molecular consequence: nonsense.
Genome position (GRCh38, 1-based): chr15:71,811,848, C>T. VCF-style: chr15-71811848-C-T. GRCh37 (hg19) VCF-style: chr15-72104188-C-T.
Other names: c.328C>T, p.Gln110Ter (NM_016346.4); c.328C>T (NM_014249.2, NM_014249.3); short protein forms Q110*.
Identifiers: ClinVar variation 871412 (VCV000871412.48), dbSNP rs2054184757, ClinGen allele CA393032842.
Genomic context (GRCh38, chr15:71,811,848, plus strand): 5'-TGCCCCGTGGACAAGGCCCACCGCAACCAGTGCCAGGCCTGCCGGCTGAAGAAGTGCCTG[C>T]AGGCGGGGATGAACCAGGACGGTGAGGCGGGGGCTGGCCCGGGGGGAGGTGACAAGAAAT-3'

ClinVar aggregate classification (germline): Pathogenic. Review status: criteria provided, multiple submitters, no conflicts (2 of 4 stars). 6 submissions from 6 submitters: Pathogenic (6). Last evaluated 2025-10-30.

Conditions:
Enhanced S-cone syndrome (ESCS). Identifiers: Orphanet 53540, MedGen C1849394, MONDO:0100288, MONDO:0009989.
Retinitis pigmentosa 37 (RP37). Identifiers: Orphanet 791, MedGen C1970163, MONDO:0012625, OMIM 611131.
ENHANCED S-CONE SYNDROME 1 (ESCS1). Also called: RETINOSCHISIS WITH EARLY HEMERALOPIA; FAVRE HYALOIDEORETINAL DEGENERATION. Identifiers: MedGen CN380299, OMIM 268100.

Allele frequency attached by ClinVar (database versions not stated): gnomAD exomes below 0.00001.

Submissions (6):

Myriad Genetics, Inc.
Classification: Pathogenic for ENHANCED S-CONE SYNDROME 1. Last evaluated: 2025-10-30. Review status: criteria provided, single submitter. Criteria: Myriad Autosomal Dominant, Autosomal Recessive and X-Linked Classification Criteria (2023). Collection method: clinical testing. Allele origin: unknown.
Comment: NM_014249.2(NR2E3):c.328C>T(Q110*) is a nonsense variant classified as pathogenic in the context of enhanced S-cone syndrome. Q110* has been observed in a case with relevant disease (PMID: 30324420). Relevant functional assessments of this variant are not available in the literature. Q110* has not been observed in referenced population frequency databases. In summary, NM_014249.2(NR2E3):c.328C>T(Q110*) is a nonsense variant in a gene where loss of function is a known mechanism of disease, is predicted to disrupt protein function, and has been observed more frequently in cases with the relevant disease than in healthy populations. Please note: this variant was assessed in the context of healthy population screening.

Natera, Inc.
Classification: Pathogenic for Enhanced S cone syndrome. Last evaluated: 2025-01-14. Review status: criteria provided, single submitter. Criteria: Natera Variant Classification Schema (03/2026). Collection method: clinical testing. Allele origin: germline.
Comment: The c.328C>T variant in NR2E3 is a nonsense variant predicted to introduce a stop codon at amino acid 110. This variant is expected to result in nonsense mediated decay, truncation, or a dysfunctional protein product. This variant is rare in the general population with a frequency below the threshold expected for the associated phenotype(s). This variant has been observed in one or more individuals affected with the associated recessive disease, as either homozygous or compound heterozygous with a second variant (PMID: 32531858). Given the available evidence, this variant is classified as Pathogenic.

Fulgent Genetics
Classification: Pathogenic for ENHANCED S-CONE SYNDROME 1; Retinitis pigmentosa 37. Last evaluated: 2024-04-17. Review status: criteria provided, single submitter. Criteria: ACMG Guidelines, 2015. Collection method: clinical testing. Allele origin: germline.

Labcorp Genetics (formerly Invitae), Labcorp
Classification: Pathogenic. Last evaluated: 2024-02-11. Review status: criteria provided, single submitter. Criteria: Invitae Variant Classification Sherloc (09022015). Collection method: clinical testing. Allele origin: germline.
Comment: This sequence change creates a premature translational stop signal (p.Gln110*) in the NR2E3 gene. It is expected to result in an absent or disrupted protein product. Loss-of-function variants in NR2E3 are known to be pathogenic (PMID: 15459973, 27522502). This variant is not present in population databases (gnomAD no frequency). This premature translational stop signal has been observed in individual(s) with clinical features of autosomal recessive retinal dystrophy (PMID: 30324420). ClinVar contains an entry for this variant (Variation ID: 871412). For these reasons, this variant has been classified as Pathogenic.

Baylor Genetics
Classification: Pathogenic for ENHANCED S-CONE SYNDROME 1. Last evaluated: 2023-09-30. Review status: criteria provided, single submitter. Criteria: ACMG Guidelines, 2015. Collection method: clinical testing. Allele origin: unknown.

CeGaT Center for Human Genetics Tuebingen
Classification: Pathogenic. Last evaluated: 2019-02-01. Review status: criteria provided, single submitter. Criteria: CeGaT Center For Human Genetics Tuebingen Variant Classification Criteria Version 2. Collection method: clinical testing. Allele origin: germline. Affected: yes. Observed: 1 variant allele.

Literature cited by the submitters: PubMed 30324420 (cited by Myriad Genetics, Inc. and Labcorp Genetics (formerly Invitae), Labcorp); PubMed 32531858 (cited by Natera, Inc.); PubMed 15459973 (cited by Labcorp Genetics (formerly Invitae), Labcorp); PubMed 27522502 (cited by Labcorp Genetics (formerly Invitae), Labcorp).